The following is an entry in ClinVar:

NM_053013.4(ENO3):c.993C>T (p.Ala331=)

Gene: ENO3 (enolase 3; plus strand). Cytogenetic location: 17p13.2.
Variant type: single nucleotide variant.
Coding change: c.993C>T on transcript NM_053013.4 (MANE Select); coding-DNA position 993, C replaced by T.
Protein change: p.Ala331=; no amino-acid change (alanine 331 retained).
Molecular consequence: synonymous variant.
Genome position (GRCh38, 1-based): chr17:4,956,069, C>T. VCF-style: chr17-4956069-C-T. GRCh37 (hg19) VCF-style: chr17-4859364-C-T.
Other names: c.864C>T, p.Ala288= (NM_001193503.2); c.993C>T, p.Ala331= (NM_001976.5).
Identifiers: ClinVar variation 324148 (VCV000324148.21), dbSNP rs2230257, ClinGen allele CA8316504.

ClinVar aggregate classification (germline): Benign/Likely benign. Review status: criteria provided, multiple submitters, no conflicts (2 of 4 stars). 6 submissions from 6 submitters: Benign (4); Likely benign (1). 1 of the submissions does not count toward it. Last evaluated 2026-02-03.

Conditions:
Glycogen storage disease due to muscle beta-enolase deficiency (GSD13). Also called: ENOLASE 3 DEFICIENCY; ENOLASE-BETA DEFICIENCY; GSD XIII; Glycogen Storage Disease Type XIII. Identifiers: Orphanet 99849, MedGen C2752027, MONDO:0013046, OMIM 612932.

Allele frequency attached by ClinVar (database versions not stated): gnomAD exomes 0.00160 and 0.00398; ExAC 0.00477; gnomAD 0.01496 and 0.01604; 1000 Genomes Project 0.01538; 1000 Genomes Project 30x 0.01608; ESP Exome Variant Server 0.01615; TOPMed 0.01671.
gnomAD v4.1: 4,728 of 1,614,034 alleles (0.29%); highest among the groups gnomAD compares: African/African-American, 5.1%; 102 homozygotes.

Submissions (6):

Labcorp Genetics (formerly Invitae), Labcorp
Classification: Benign for Glycogen storage disease due to muscle beta-enolase deficiency. Last evaluated: 2026-02-03. Review status: criteria provided, single submitter. Criteria: Invitae Variant Classification Sherloc (09022015). Collection method: clinical testing. Allele origin: germline.

Fulgent Genetics
Classification: Likely benign for Glycogen storage disease due to muscle beta-enolase deficiency. Last evaluated: 2021-09-01. Review status: criteria provided, single submitter. Criteria: ACMG Guidelines, 2015. Collection method: clinical testing. Allele origin: unknown.

Illumina Laboratory Services, Illumina
Classification: Benign for Glycogen storage disease due to muscle beta-enolase deficiency. Last evaluated: 2018-01-13. Review status: criteria provided, single submitter. Criteria: ICSL Variant Classification Criteria 13 December 2019. Collection method: clinical testing. Allele origin: germline.
Comment: This variant was observed in the ICSL laboratory as part of a predisposition screen in an ostensibly healthy population. It had not been previously curated by ICSL or reported in the Human Gene Mutation Database (HGMD: prior to June 1st, 2018), and was therefore a candidate for classification through an automated scoring system. Utilizing variant allele frequency, disease prevalence and penetrance estimates, and inheritance mode, an automated score was calculated to assess if this variant is too frequent to cause the disease. Based on the score and internal cut-off values, a variant classified as benign is not then subjected to further curation. The score for this variant resulted in a classification of benign for this disease.

GeneDx
Classification: Benign. Last evaluated: 2016-03-30. Review status: criteria provided, single submitter. Criteria: GeneDx Variant Classification (06012015). Collection method: clinical testing. Allele origin: germline. Affected: yes.
Comment: This variant is considered likely benign or benign based on one or more of the following criteria: it is a conservative change, it occurs at a poorly conserved position in the protein, it is predicted to be benign by multiple in silico algorithms, and/or has population frequency not consistent with disease.

Breakthrough Genomics
Classification: Benign. Review status: criteria provided, single submitter. Criteria: ACMG Guidelines, 2015. Collection method: not provided. Allele origin: germline. Inheritance: Autosomal recessive inheritance. Affected: yes.

Mayo Clinic Laboratories, Mayo Clinic
Classification: Benign. Last evaluated: 2017-04-12. Review status: no assertion criteria provided. Collection method: clinical testing. Allele origin: unknown. Not counted in ClinVar's aggregate classification.